The following is an entry in ClinVar:

ClinVar aggregate classification (germline): Likely benign (0 of 4 stars; one submission).

Conditions:
PKD1-related disorder. Also called: PKD1-related condition.

Allele frequency attached by ClinVar (database versions not stated): gnomAD 0.00001; TOPMed 0.00001.
gnomAD v4.1: 3 of 1,486,412 alleles (0.0002%); highest among the groups gnomAD compares: Non-Finnish European, 0.00028%; no homozygotes.

Submission:

PreventionGenetics, part of Exact Sciences
Classification: Likely benign for PKD1-related condition. Last evaluated: 2019-10-03. Review status: no assertion criteria provided. Collection method: clinical testing. Allele origin: germline.
Comment: This variant is classified as likely benign based on ACMG/AMP sequence variant interpretation guidelines (Richards et al. 2015 PMID: 25741868, with internal and published modifications).

NM_001009944.3(PKD1):c.8017-6A>G

Gene: PKD1 (polycystin 1, transient receptor potential channel interacting; minus strand). Cytogenetic location: 16p13.3.
Variant type: single nucleotide variant.
Coding change: c.8017-6A>G on transcript NM_001009944.3 (MANE Select); 6 bases into the intron before coding-DNA position 8017, A replaced by G.
Molecular consequence: intron variant.
Genome position (GRCh38, 1-based): chr16:2,104,648, T>C on the plus strand (A>G on the coding strand, the complement: PKD1 is on the minus strand). VCF-style: chr16-2104648-T-C. GRCh37 (hg19) VCF-style: chr16-2154649-T-C.
Other names: c.8017-6A>G (NM_000296.4).
Identifiers: ClinVar variation 3045271 (VCV003045271.2), dbSNP rs1191088575, ClinGen allele CA620383089.
Genomic context (GRCh38, chr16:2,104,648, plus strand): 5'-GCTTGTGCAGCGTCTGCTTCAGGCACGAGCGGCATACGAGCTCCCTGCTGGGCCCCTGTG[T>C]GGAGCCAGCAGTGTCCAGCCCCGCTCCTGGCCCCACTCCTTGCACACGCCCTCCTCTCTA-3'